The following is an entry in ClinVar:

ClinVar aggregate classification (germline): Conflicting classifications of pathogenicity. Review status: criteria provided, conflicting classifications (1 of 4 stars). 3 submissions from 3 submitters: Uncertain significance (1); Likely benign (2). Last evaluated 2025-03-18.

Conditions:
Hereditary cancer-predisposing syndrome. Also called: Hereditary neoplastic syndrome; Neoplastic Syndromes, Hereditary; Tumor predisposition; Hereditary Cancer Syndrome. Identifiers: Orphanet 140162, MedGen C0027672, MeSH D009386, MONDO:0015356.
Hereditary breast ovarian cancer syndrome. Also called: Hereditary breast and ovarian cancer syndrome (HBOC); Breast and ovarian cancer; Hereditary breast and/or ovarian cancer syndrome; BRCA1- and BRCA2-Associated Hereditary Breast and Ovarian Cancer; Hereditary breast and ovarian cancer syndrome; Hereditary breast and ovarian cancer. Identifiers: Orphanet 145, MedGen C0677776, MeSH D061325, MONDO:0003582. Disease mechanism: loss of function.

Submissions (3):

Ambry Genetics
Classification: Likely benign for Hereditary cancer-predisposing syndrome. Last evaluated: 2025-03-18. Review status: criteria provided, single submitter. Criteria: Ambry Variant Classification Scheme 2023. Collection method: clinical testing. Allele origin: germline.

University of Washington Department of Laboratory Medicine, University of Washington
Classification: Likely benign for Hereditary cancer-predisposing syndrome. Last evaluated: 2023-03-23. Review status: criteria provided, single submitter. Criteria: Dines et al. (Genet Med. 2020). Collection method: curation. Allele origin: germline.
Comment: Missense variant in a coldspot region where missense variants are very unlikely to be pathogenic (PMID:31911673).

BRCA2 exon 11 coldspot. Reclassification based on statistical prior probability.

Labcorp Genetics (formerly Invitae), Labcorp
Classification: Uncertain significance for Hereditary breast ovarian cancer syndrome. Last evaluated: 2018-02-15. Review status: criteria provided, single submitter. Criteria: Invitae Variant Classification Sherloc (09022015). Collection method: clinical testing. Allele origin: germline.
Comment: This sequence change replaces asparagine with aspartic acid at codon 1599 of the BRCA2 protein (p.Asn1599Asp). The asparagine residue is weakly conserved and there is a small physicochemical difference between asparagine and aspartic acid. This variant is not present in population databases (ExAC no frequency). This variant has not been reported in the literature in individuals with BRCA2-related disease. ClinVar contains an entry for this variant (Variation ID: 186113). Algorithms developed to predict the effect of missense changes on protein structure and function output the following: SIFT: "Tolerated"; PolyPhen-2: "Benign"; Align-GVGD: "Class C0". The aspartic acid amino acid residue is found in multiple mammalian species, suggesting that this missense change does not adversely affect protein function. These predictions have not been confirmed by published functional studies and their clinical significance is uncertain. In summary, the available evidence is currently insufficient to determine the role of this variant in disease. Therefore, it has been classified as a Variant of Uncertain Significance.

NM_000059.4(BRCA2):c.4795A>G (p.Asn1599Asp)

Gene: BRCA2 (BRCA2 DNA repair associated; plus strand). Cytogenetic location: 13q13.1.
Variant type: single nucleotide variant.
Coding change: c.4795A>G on transcript NM_000059.4 (MANE Select); coding-DNA position 4795, A replaced by G.
Protein change: p.Asn1599Asp; replaces asparagine 1599 with aspartic acid.
Molecular consequence: missense variant.
Genome position (GRCh38, 1-based): chr13:32,339,150, A>G. VCF-style: chr13-32339150-A-G. GRCh37 (hg19) VCF-style: chr13-32913287-A-G.
Other names: short protein forms N1599D.
Identifiers: ClinVar variation 186113 (VCV000186113.15), dbSNP rs786202703, ClinGen allele CA020839.